The following is an entry in ClinVar:

NM_000222.3(KIT):c.401T>C (p.Val134Ala)

Gene: KIT (KIT proto-oncogene, receptor tyrosine kinase; plus strand). Cytogenetic location: 4q12.
Variant type: single nucleotide variant.
Coding change: c.401T>C on transcript NM_000222.3 (MANE Select); coding-DNA position 401, T replaced by C.
Protein change: p.Val134Ala; replaces valine 134 with alanine.
Molecular consequence: missense variant.
Genome position (GRCh38, 1-based): chr4:54,698,347, T>C. VCF-style: chr4-54698347-T-C. GRCh37 (hg19) VCF-style: chr4-55564513-T-C.
Other names: c.401T>C, p.Val134Ala (NM_001093772.2, NM_001385284.1, NM_001385285.1 and 4 more transcripts); short protein forms V134A.
Identifiers: ClinVar variation 4644972 (VCV004644972.1).
Genomic context (GRCh38, chr4:54,698,347, plus strand): 5'-CTGCCAAGCTTTTCCTTGTTGACCGCTCCTTGTATGGGAAAGAAGACAACGACACGCTGG[T>C]CCGCTGTCCTCTCACAGACCCAGAAGTGACCAATTATTCCCTCAAGGGGTGCCAGGGGAA-3'
Protein context (NP_000213.1, residues 124-144): LYGKEDNDTL[Val134Ala]RCPLTDPEVT

ClinVar aggregate classification (germline): Uncertain significance (1 of 4 stars; one submission).

Conditions:
Hereditary cancer-predisposing syndrome. Also called: Neoplastic Syndromes, Hereditary; Tumor predisposition; Hereditary Cancer Syndrome; Hereditary neoplastic syndrome. Identifiers: Orphanet 140162, MedGen C0027672, MeSH D009386, MONDO:0015356.

Submission:

Ambry Genetics
Classification: Uncertain significance for Hereditary cancer-predisposing syndrome. Last evaluated: 2025-09-24. Review status: criteria provided, single submitter. Criteria: Ambry Variant Classification Scheme 2023. Collection method: clinical testing. Allele origin: germline.
Comment: The p.V134A variant (also known as c.401T>C), located in coding exon 3 of the KIT gene, results from a T to C substitution at nucleotide position 401. The valine at codon 134 is replaced by alanine, an amino acid with similar properties. This amino acid position is well conserved in available vertebrate species. In addition, the in silico prediction for this alteration is inconclusive. Based on the available evidence, the clinical significance of this variant remains unclear.